The following is an entry in ClinVar:

ClinVar aggregate classification (germline): Uncertain significance. Review status: criteria provided, multiple submitters, no conflicts (2 of 4 stars). 2 submissions from 2 submitters: Uncertain significance (2). Last evaluated 2024-09-15.

Conditions:
Cardiovascular phenotype. Identifiers: MedGen CN230736.
Long QT syndrome (LQTS). Identifiers: MedGen C0023976, MeSH D008133, MONDO:0002442. Disease mechanism: loss of function. Inheritance: Various modes of inheritance.

Submissions (2):

Labcorp Genetics (formerly Invitae), Labcorp
Classification: Uncertain significance for Long QT syndrome. Last evaluated: 2024-09-15. Review status: criteria provided, single submitter. Criteria: Invitae Variant Classification Sherloc (09022015). Collection method: clinical testing. Allele origin: germline.
Comment: This sequence change replaces tyrosine, which is neutral and polar, with cysteine, which is neutral and slightly polar, at codon 527 of the CACNA1C protein (p.Tyr527Cys). This variant is not present in population databases (gnomAD no frequency). This variant has not been reported in the literature in individuals affected with CACNA1C-related conditions. Invitae Evidence Modeling of protein sequence and biophysical properties (such as structural, functional, and spatial information, amino acid conservation, physicochemical variation, residue mobility, and thermodynamic stability) indicates that this missense variant is expected to disrupt CACNA1C protein function with a positive predictive value of 95%. In summary, the available evidence is currently insufficient to determine the role of this variant in disease. Therefore, it has been classified as a Variant of Uncertain Significance.

Ambry Genetics
Classification: Uncertain significance for Cardiovascular phenotype. Last evaluated: 2023-12-22. Review status: criteria provided, single submitter. Criteria: Ambry Variant Classification Scheme 2023. Collection method: clinical testing. Allele origin: germline.
Comment: The p.Y527C variant (also known as c.1580A>G), located in coding exon 12 of the CACNA1C gene, results from an A to G substitution at nucleotide position 1580. The tyrosine at codon 527 is replaced by cysteine, an amino acid with highly dissimilar properties. This amino acid position is highly conserved in available vertebrate species. In addition, this alteration is predicted to be deleterious by in silico analysis. Since supporting evidence is limited at this time, the clinical significance of this alteration remains unclear.

NM_000719.7(CACNA1C):c.1580A>G (p.Tyr527Cys)

Gene: CACNA1C (calcium voltage-gated channel subunit alpha1 C; plus strand). Cytogenetic location: 12p13.33.
Variant type: single nucleotide variant.
Coding change: c.1580A>G on transcript NM_000719.7 (MANE Select); coding-DNA position 1580, A replaced by G.
Protein change: p.Tyr527Cys; replaces tyrosine 527 with cysteine.
Molecular consequence: missense variant.
Genome position (GRCh38, 1-based): chr12:2,566,493, A>G. VCF-style: chr12-2566493-A-G. GRCh37 (hg19) VCF-style: chr12-2675659-A-G.
Other names: c.1580A>G, p.Tyr527Cys (NM_001129830.3, NM_001129831.2, NM_001129832.2 and 18 more transcripts); c.1571A>G, p.Tyr524Cys (NM_001129844.2); short protein forms Y524C, Y527C.
Identifiers: ClinVar variation 3232229 (VCV003232229.3), dbSNP rs2512765320, ClinGen allele CA383368537.
Genomic context (GRCh38, chr12:2,566,493, plus strand): 5'-GCCGGTGGAATCGGTTCTGCAGAAGGAAGTGCCGCGCCGCAGTCAAGTCTAATGTCTTCT[A>G]CTGGCTGGTGATTTTCCTGGTGTTCCTCAACACGCTCACCATTGCCTCTGAGCACTACAA-3'
Protein context (NP_000710.5, residues 517-537): CRAAVKSNVF[Tyr527Cys]WLVIFLVFLN